The following is an entry in ClinVar:

NM_016034.5(MRPS2):c.496G>A (p.Ala166Thr)

Genes: MRPS2 (mitochondrial ribosomal protein S2; plus strand), LOC101928525 (uncharacterized LOC101928525; minus strand). Cytogenetic location: 9q34.3.
Variant type: single nucleotide variant.
Coding change: c.496G>A on transcript NM_016034.5 (MANE Select); coding-DNA position 496, G replaced by A.
Protein change: p.Ala166Thr; replaces alanine 166 with threonine.
Molecular consequence: missense variant. On other transcripts: non-coding transcript variant (4).
Genome position (GRCh38, 1-based): chr9:135,503,738, G>A. VCF-style: chr9-135503738-G-A. GRCh37 (hg19) VCF-style: chr9-138395584-G-A.
Other names: c.496G>A, p.Ala166Thr (NM_001371401.1); short protein forms A166T.
Identifiers: ClinVar variation 2150540 (VCV002150540.4), dbSNP rs377702049, ClinGen allele CA5323961.

ClinVar aggregate classification (germline): Uncertain significance (1 of 4 stars; one submission).

Submission:

Labcorp Genetics (formerly Invitae), Labcorp
Classification: Uncertain significance. Last evaluated: 2023-07-19. Review status: criteria provided, single submitter. Criteria: Invitae Variant Classification Sherloc (09022015). Collection method: clinical testing. Allele origin: germline.
Comment: This variant is present in population databases (rs377702049, gnomAD 0.006%). This sequence change replaces alanine, which is neutral and non-polar, with threonine, which is neutral and polar, at codon 166 of the MRPS2 protein (p.Ala166Thr). This variant has not been reported in the literature in individuals affected with MRPS2-related conditions. In summary, the available evidence is currently insufficient to determine the role of this variant in disease. Therefore, it has been classified as a Variant of Uncertain Significance. Advanced modeling of protein sequence and biophysical properties (such as structural, functional, and spatial information, amino acid conservation, physicochemical variation, residue mobility, and thermodynamic stability) performed at Invitae indicates that this missense variant is expected to disrupt MRPS2 protein function. ClinVar contains an entry for this variant (Variation ID: 2150540).